The following is an entry in ClinVar:

ClinVar aggregate classification (germline): Uncertain significance (1 of 4 stars; one submission).

Allele frequency attached by ClinVar (database versions not stated): gnomAD exomes below 0.00001.
gnomAD v4.1: 1 of 1,613,964 alleles (0.000062%); highest among the groups gnomAD compares: Non-Finnish European, 0.000085%; no homozygotes.

Submission:

Ambry Genetics
Classification: Uncertain significance. Last evaluated: 2024-05-13. Review status: criteria provided, single submitter. Criteria: Ambry Variant Classification Scheme 2023. Collection method: clinical testing. Allele origin: germline.
Comment: The p.N279T variant (also known as c.836A>C), located in coding exon 6 of the POLQ gene, results from an A to C substitution at nucleotide position 836. The asparagine at codon 279 is replaced by threonine, an amino acid with similar properties. This amino acid position is conserved. In addition, this alteration is predicted to be tolerated by in silico analysis. Since supporting evidence is limited at this time, the clinical significance of this alteration remains unclear.

NM_199420.4(POLQ):c.836A>C (p.Asn279Thr)

Gene: POLQ (DNA polymerase theta; minus strand). Cytogenetic location: 3q13.33.
Variant type: single nucleotide variant.
Coding change: c.836A>C on transcript NM_199420.4 (MANE Select); coding-DNA position 836, A replaced by C.
Protein change: p.Asn279Thr; replaces asparagine 279 with threonine.
Molecular consequence: missense variant.
Genome position (GRCh38, 1-based): chr3:121,533,114, T>G on the plus strand (A>C on the coding strand, the complement: POLQ is on the minus strand). VCF-style: chr3-121533114-T-G. GRCh37 (hg19) VCF-style: chr3-121251961-T-G.
Other names: short protein forms N279T.
Identifiers: ClinVar variation 1763106 (VCV001763106.3), dbSNP rs2546819115, ClinGen allele CA354126442.